The following is an entry in ClinVar:

NM_001184.4(ATR):c.694A>T (p.Ile232Leu)

Gene: ATR (ATR serine/threonine kinase; minus strand). Cytogenetic location: 3q23.
Variant type: single nucleotide variant.
Coding change: c.694A>T on transcript NM_001184.4 (MANE Select); coding-DNA position 694, A replaced by T.
Protein change: p.Ile232Leu; replaces isoleucine 232 with leucine.
Molecular consequence: missense variant.
Genome position (GRCh38, 1-based): chr3:142,562,708, T>A on the plus strand (A>T on the coding strand, the complement: ATR is on the minus strand). VCF-style: chr3-142562708-T-A. GRCh37 (hg19) VCF-style: chr3-142281550-T-A.
Other names: c.694A>T, p.Ile232Leu (NM_001354579.2); short protein forms I232L.
Identifiers: ClinVar variation 3332154 (VCV003332154.1).
Genomic context (GRCh38, chr3:142,562,708, plus strand): 5'-AAAAGCTAATTGCTAGGGATTTAATTTTTGGACTACCATACTCTAGCAGAACACAACCTA[T>A]CTGCCAAAGTAAGAGTTCTTGCCTTCTAAAAAACACAATTGCAATAATACGAGTAAGAAC-3'
Protein context (NP_001175.2, residues 222-242): FRRQELLLWQ[Ile232Leu]GCVLLEYGSP

ClinVar aggregate classification (germline): Uncertain significance (1 of 4 stars; one submission).

Conditions:
Inborn genetic diseases. Identifiers: MedGen C0950123, MeSH D030342.

Submission:

Ambry Genetics
Classification: Uncertain significance for Inborn genetic diseases. Last evaluated: 2024-06-10. Review status: criteria provided, single submitter. Criteria: Ambry Variant Classification Scheme 2023. Collection method: clinical testing. Allele origin: germline.
Comment: The p.I232L variant (also known as c.694A>T), located in coding exon 4 of the ATR gene, results from an A to T substitution at nucleotide position 694. The isoleucine at codon 232 is replaced by leucine, an amino acid with highly similar properties. This amino acid position is conserved. In addition, this alteration is predicted to be tolerated by in silico analysis. Based on the available evidence, the clinical significance of this variant remains unclear.